The following is an entry in ClinVar:

NM_152743.4(BRAT1):c.1395G>T (p.Thr465=)

Gene: BRAT1 (BRCA1 associated ATM activator 1; minus strand). Cytogenetic location: 7p22.3.
Variant type: single nucleotide variant.
Coding change: c.1395G>T on transcript NM_152743.4 (MANE Select); coding-DNA position 1395, G replaced by T.
Protein change: p.Thr465=; no amino-acid change (threonine 465 retained).
Molecular consequence: synonymous variant. On other transcripts: non-coding transcript variant (1).
Genome position (GRCh38, 1-based): chr7:2,540,979, C>A on the plus strand (G>T on the coding strand, the complement: BRAT1 is on the minus strand). VCF-style: chr7-2540979-C-A. GRCh37 (hg19) VCF-style: chr7-2580613-C-A.
Other names: c.1395G>T, p.Thr465= (NM_001350626.2); c.870G>T, p.Thr290= (NM_001350627.2).
Identifiers: ClinVar variation 838177 (VCV000838177.5), dbSNP rs201855243, ClinGen allele CA152666917.

ClinVar aggregate classification (germline): Conflicting classifications of pathogenicity. Review status: criteria provided, conflicting classifications (1 of 4 stars). 2 submissions from 2 submitters: Likely pathogenic (1); Uncertain significance (1). Last evaluated 2023-06-23.

Conditions:
Neonatal-onset encephalopathy with rigidity and seizures. Also called: Lethal neonatal spasticity-epileptic encephalopathy syndrome. Identifiers: Orphanet 435845, MedGen C3281029, MONDO:0013784, OMIM 614498.

Allele frequency attached by ClinVar (database versions not stated): 1000 Genomes Project 30x 0.00016; 1000 Genomes Project 0.00020.

Submissions (2):

Institute for Clinical Genetics, University Hospital TU Dresden, University Hospital TU Dresden
Classification: Likely pathogenic. Last evaluated: 2023-06-23. Review status: criteria provided, single submitter. Criteria: ACMG Guidelines, 2015. Collection method: clinical testing. Allele origin: paternal.
Comment: PP3, PP4, PM2_SUP, PM3

Labcorp Genetics (formerly Invitae), Labcorp
Classification: Uncertain significance for Neonatal-onset encephalopathy with rigidity and seizures. Last evaluated: 2020-03-05. Review status: criteria provided, single submitter. Criteria: Invitae Variant Classification Sherloc (09022015). Collection method: clinical testing. Allele origin: germline.
Comment: This sequence change affects codon 465 of the BRAT1 mRNA. It is a 'silent' change, meaning that it does not change the encoded amino acid sequence of the BRAT1 protein. This variant also falls at the last nucleotide of exon 10 of the BRAT1 coding sequence, which is part of the consensus splice site for this exon. This variant is not present in population databases (ExAC no frequency). This variant has not been reported in the literature in individuals with BRAT1-related conditions. Nucleotide substitutions within the consensus splice site are a relatively common cause of aberrant splicing (PMID: 17576681, 9536098). Algorithms developed to predict the effect of sequence changes on RNA splicing suggest that this variant may disrupt the consensus splice site, but this prediction has not been confirmed by published transcriptional studies. In summary, the available evidence is currently insufficient to determine the role of this variant in disease. Therefore, it has been classified as a Variant of Uncertain Significance.

Literature cited by the submitters: PubMed 17576681 (cited by Labcorp Genetics (formerly Invitae), Labcorp); PubMed 9536098 (cited by Labcorp Genetics (formerly Invitae), Labcorp).